The following is an entry in ClinVar:

NM_032383.5(HPS3):c.859del (p.Ser287fs)

Gene: HPS3 (HPS3 biogenesis of lysosomal organelles complex 2 subunit 1; plus strand). Cytogenetic location: 3q24.
Variant type: Deletion.
Coding change: c.859del on transcript NM_032383.5 (MANE Select); coding-DNA position 859, one base deleted (T; older notation c.859delT).
Protein change: p.Ser287fs; shifts the reading frame from serine 287.
Molecular consequence: frameshift variant.
Genome position (GRCh38, 1-based): chr3:149,141,163, T deleted; the last of 2 consecutive T bases (chr3:149,141,162-149,141,163); deleting either gives the same sequence. VCF-style (leftmost placement, unchanged base first): chr3-149141161-AT-A. GRCh37 (hg19) VCF-style: chr3-148858948-AT-A.
Other names: c.364del, p.Ser122fs (NM_001308258.2); short protein forms S122fs, S287fs.
Identifiers: ClinVar variation 1076568 (VCV001076568.7), dbSNP rs2108130124, ClinGen allele CA2499216550.

ClinVar aggregate classification (germline): Pathogenic (1 of 4 stars; one submission).

Submission:

Labcorp Genetics (formerly Invitae), Labcorp
Classification: Pathogenic. Last evaluated: 2020-06-30. Review status: criteria provided, single submitter. Criteria: Invitae Variant Classification Sherloc (09022015). Collection method: clinical testing. Allele origin: germline.
Comment: Loss-of-function variants in HPS3 are known to be pathogenic (PMID: 11590544). This variant has not been reported in the literature in individuals with HPS3-related conditions. This variant is not present in population databases (ExAC no frequency). This sequence change creates a premature translational stop signal (p.Ser287Profs*54) in the HPS3 gene. It is expected to result in an absent or disrupted protein product. For these reasons, this variant has been classified as Pathogenic.

Literature cited by the submitters: PubMed 11590544.